The following is an entry in ClinVar:

NM_000916.4(OXTR):c.1068C>A (p.Arg356=)

Gene: OXTR (oxytocin receptor; minus strand). Cytogenetic location: 3p25.3.
Variant type: single nucleotide variant.
Coding change: c.1068C>A on transcript NM_000916.4 (MANE Select); coding-DNA position 1068, C replaced by A.
Protein change: p.Arg356=; no amino-acid change (arginine 356 retained).
Molecular consequence: synonymous variant.
Genome position (GRCh38, 1-based): chr3:8,753,079, G>T on the plus strand (C>A on the coding strand, the complement: OXTR is on the minus strand). VCF-style: chr3-8753079-G-T. GRCh37 (hg19) VCF-style: chr3-8794765-G-T.
Other names: c.1068C>A, p.Arg356= (NM_001354653.2, NM_001354654.2, NM_001354655.2 and 1 more transcripts).
Identifiers: ClinVar variation 715951 (VCV000715951.5), dbSNP rs142282272, ClinGen allele CA2236420.
Genomic context (GRCh38, chr3:8,753,079, plus strand): 5'-GCGATGGCTCAGGACAAAGGAGGACGAGTTGCTCTTTTTGCTGGCACTCGTCTCTCCCAG[G>T]CGTCTGCCCTTCAGGTAGCTGGCGGAGCAGCACAGGAAGCGCTGCACGAGTTCGTGGAAG-3'
Protein context (NP_000907.2, residues 346-366): CCSASYLKGR[Arg356=]LGETSASKKS

ClinVar aggregate classification (germline): Benign. Review status: criteria provided, single submitter (1 of 4 stars). 2 submissions from 2 submitters: Benign (1). 1 of the submissions does not count toward it. Last evaluated 2017-12-14.

Conditions:
OXTR-related disorder. Also called: OXTR-related condition.

Allele frequency attached by ClinVar (database versions not stated): gnomAD 0.00036 and 0.00055; TOPMed 0.00055; gnomAD exomes 0.00083 and 0.00116; ExAC 0.00132; 1000 Genomes Project 30x 0.00203; 1000 Genomes Project 0.00220.
gnomAD v4.1: 1,264 of 1,614,186 alleles (0.078%); highest among the groups gnomAD compares: East Asian, 2.7%; 27 homozygotes.

Submissions (2):

Labcorp Genetics (formerly Invitae), Labcorp
Classification: Benign. Last evaluated: 2017-12-14. Review status: criteria provided, single submitter. Criteria: Invitae Variant Classification Sherloc (09022015). Collection method: clinical testing. Allele origin: germline.

PreventionGenetics, part of Exact Sciences
Classification: Benign for OXTR-related condition. Last evaluated: 2019-12-06. Review status: no assertion criteria provided. Collection method: clinical testing. Allele origin: germline. Not counted in ClinVar's aggregate classification.
Comment: This variant is classified as benign based on ACMG/AMP sequence variant interpretation guidelines (Richards et al. 2015 PMID: 25741868, with internal and published modifications).